The following is an entry in ClinVar:

NM_000038.6(APC):c.629T>C (p.Met210Thr)

Gene: APC (APC regulator of Wnt signaling pathway; plus strand). Cytogenetic location: 5q22.2.
Variant type: single nucleotide variant.
Coding change: c.629T>C on transcript NM_000038.6 (MANE Select); coding-DNA position 629, T replaced by C.
Protein change: p.Met210Thr; replaces methionine 210 with threonine.
Molecular consequence: missense variant. On other transcripts: 5 prime UTR variant (1).
Genome position (GRCh38, 1-based): chr5:112,780,887, T>C. VCF-style: chr5-112780887-T-C. GRCh37 (hg19) VCF-style: chr5-112116584-T-C.
Other names: c.629T>C, p.Met210Thr (NM_001127510.3, NM_001354895.2, NM_001354896.2 and 16 more transcripts); c.659T>C, p.Met220Thr (NM_001127511.3, NM_001354897.2, NM_001354902.2 and 1 more transcripts); c.554T>C, p.Met185Thr (NM_001354898.2, NM_001354904.2, NM_001407451.1); c.452T>C, p.Met151Thr (NM_001354900.2, NM_001354901.2, NM_001354905.2 and 1 more transcripts); c.-407T>C (NM_001354906.2, NM_001407470.1, NM_001407471.1 and 1 more transcripts); short protein forms M151T, M185T, M210T, M220T.
Identifiers: ClinVar variation 1720881 (VCV001720881.6), dbSNP rs747348390, ClinGen allele CA044331.

ClinVar aggregate classification (germline): Uncertain significance (1 of 4 stars; one submission).

Conditions:
Familial adenomatous polyposis 1 (FAP1). Also called: FAMILIAL ADENOMATOUS POLYPOSIS 1, ATTENUATED; POLYPOSIS, ADENOMATOUS INTESTINAL. Identifiers: MedGen C2713442, MONDO:0021056, OMIM 175100. Disease mechanism: loss of function.

Allele frequency attached by ClinVar (database versions not stated): gnomAD exomes below 0.00001; ExAC 0.00001.
gnomAD v4.1: 1 of 1,610,466 alleles (0.000062%); highest among the groups gnomAD compares: Non-Finnish European, 0.000085%; no homozygotes.

Submission:

Labcorp Genetics (formerly Invitae), Labcorp
Classification: Uncertain significance for Familial adenomatous polyposis 1. Last evaluated: 2022-10-03. Review status: criteria provided, single submitter. Criteria: Invitae Variant Classification Sherloc (09022015). Collection method: clinical testing. Allele origin: germline.
Comment: In summary, the available evidence is currently insufficient to determine the role of this variant in disease. Therefore, it has been classified as a Variant of Uncertain Significance. Advanced modeling of protein sequence and biophysical properties (such as structural, functional, and spatial information, amino acid conservation, physicochemical variation, residue mobility, and thermodynamic stability) performed at Invitae indicates that this missense variant is not expected to disrupt APC protein function. This variant has not been reported in the literature in individuals affected with APC-related conditions. This variant is present in population databases (rs747348390, gnomAD 0.0009%). This sequence change replaces methionine, which is neutral and non-polar, with threonine, which is neutral and polar, at codon 210 of the APC protein (p.Met210Thr).